The following is an entry in ClinVar:

ClinVar aggregate classification (germline): Uncertain significance. Review status: criteria provided, multiple submitters, no conflicts (2 of 4 stars). 3 submissions from 3 submitters: Uncertain significance (3). Last evaluated 2025-06-15.

Conditions:
Cardiovascular phenotype. Identifiers: MedGen CN230736.
Catecholaminergic polymorphic ventricular tachycardia 1. Also called: VENTRICULAR TACHYCARDIA, CATECHOLAMINERGIC POLYMORPHIC, 1, WITH OR WITHOUT ATRIAL DYSFUNCTION AND/OR DILATED CARDIOMYOPATHY; VENTRICULAR TACHYCARDIA, STRESS-INDUCED POLYMORPHIC 1; RYR2-Related Catecholaminergic Polymorphic Ventricular Tachycardia. Identifiers: Orphanet 3286, MedGen C1631597, MONDO:0011484, OMIM 604772.

Allele frequency attached by ClinVar (database versions not stated): ExAC 0.00001; gnomAD 0.00001; gnomAD exomes 0.00001 and 0.00002.
gnomAD v4.1: 10 of 1,613,582 alleles (0.00062%); highest among the groups gnomAD compares: African/African-American, 0.004%; no homozygotes.

Submissions (3):

Labcorp Genetics (formerly Invitae), Labcorp
Classification: Uncertain significance for Catecholaminergic polymorphic ventricular tachycardia 1. Last evaluated: 2025-06-15. Review status: criteria provided, single submitter. Criteria: Invitae Variant Classification Sherloc (09022015). Collection method: clinical testing. Allele origin: germline.
Comment: This sequence change replaces glycine, which is neutral and non-polar, with serine, which is neutral and polar, at codon 4566 of the RYR2 protein (p.Gly4566Ser). This variant is present in population databases (rs767716570, gnomAD 0.01%). This variant has not been reported in the literature in individuals affected with RYR2-related conditions. ClinVar contains an entry for this variant (Variation ID: 859403). Invitae Evidence Modeling of protein sequence and biophysical properties (such as structural, functional, and spatial information, amino acid conservation, physicochemical variation, residue mobility, and thermodynamic stability) has been performed for this missense variant. However, the output from this modeling did not meet the statistical confidence thresholds required to predict the impact of this variant on RYR2 protein function. In summary, the available evidence is currently insufficient to determine the role of this variant in disease. Therefore, it has been classified as a Variant of Uncertain Significance.

Ambry Genetics
Classification: Uncertain significance for Cardiovascular phenotype. Last evaluated: 2023-10-02. Review status: criteria provided, single submitter. Criteria: Ambry Variant Classification Scheme 2023. Collection method: clinical testing. Allele origin: germline.
Comment: The p.G4566S variant (also known as c.13696G>A), located in coding exon 94 of the RYR2 gene, results from a G to A substitution at nucleotide position 13696. The glycine at codon 4566 is replaced by serine, an amino acid with similar properties. This amino acid position is highly conserved in available vertebrate species. In addition, this alteration is predicted to be deleterious by in silico analysis. Since supporting evidence is limited at this time, the clinical significance of this alteration remains unclear.

AiLife Diagnostics
Classification: Uncertain significance. Last evaluated: 2022-01-27. Review status: criteria provided, single submitter. Criteria: ACMG Guidelines, 2015. Collection method: clinical testing. Allele origin: germline. Affected: yes. Observed: 1 variant allele.

NM_001035.3(RYR2):c.13696G>A (p.Gly4566Ser)

Gene: RYR2 (ryanodine receptor 2; plus strand). Cytogenetic location: 1q43.
Variant type: single nucleotide variant.
Coding change: c.13696G>A on transcript NM_001035.3 (MANE Select); coding-DNA position 13696, G replaced by A.
Protein change: p.Gly4566Ser; replaces glycine 4566 with serine.
Molecular consequence: missense variant.
Genome position (GRCh38, 1-based): chr1:237,792,237, G>A. VCF-style: chr1-237792237-G-A. GRCh37 (hg19) VCF-style: chr1-237955537-G-A.
Other names: short protein forms G4566S.
Identifiers: ClinVar variation 859403 (VCV000859403.13), dbSNP rs767716570, ClinGen allele CA085436.
Genomic context (GRCh38, chr1:237,792,237, plus strand): 5'-AGCCTGGACAGCAGCTCCCATAGAATCATCGCAGTTCACTATGTACTAGAGGAGAGCAGC[G>A]GCTACATGGAGCCCACGTTGCGTATCTTAGCTATTCTGCACACGGTCATTTCTTTCTTCT-3'
Protein context (NP_001026.2, residues 4556-4576): AVHYVLEESS[Gly4566Ser]YMEPTLRILA